The following is an entry in ClinVar:

NM_000138.5(FBN1):c.6739+1G>A

Gene: FBN1 (fibrillin 1; minus strand). Cytogenetic location: 15q21.1.
Variant type: single nucleotide variant.
Coding change: c.6739+1G>A on transcript NM_000138.5 (MANE Select); the canonical splice donor site of the intron after coding-DNA position 6739, G replaced by A.
Molecular consequence: splice donor variant.
Genome position (GRCh38, 1-based): chr15:48,432,865, C>T on the plus strand (G>A on the coding strand, the complement: FBN1 is on the minus strand). VCF-style: chr15-48432865-C-T. GRCh37 (hg19) VCF-style: chr15-48725062-C-T.
Other names: c.6739+1G>A (NM_001406716.1).
Identifiers: ClinVar variation 222618 (VCV000222618.10), dbSNP rs869025419, ClinGen allele CA353631.

ClinVar aggregate classification (germline): Pathogenic (1 of 4 stars; one submission).

Conditions:
Marfan syndrome (MFS). Also called: MARFAN SYNDROME, TYPE I; FBN1-Related Marfan Syndrome; Marfan syndrome, classic; Marfan syndrome type 1; Marfan's syndrome. Identifiers: Orphanet 284963, Orphanet 558, MedGen C0024796, MONDO:0007947, OMIM 154700.
Familial thoracic aortic aneurysm and aortic dissection (TAAD). Also called: Thoracic aortic aneurysms and dissections. Identifiers: Orphanet 91387, MedGen C4707243, MONDO:0019625.

Submissions (2):

Labcorp Genetics (formerly Invitae), Labcorp
Classification: Pathogenic for Marfan syndrome; Familial thoracic aortic aneurysm and aortic dissection. Last evaluated: 2021-09-15. Review status: criteria provided, single submitter. Criteria: Invitae Variant Classification Sherloc (09022015). Collection method: clinical testing. Allele origin: germline.
Comment: For these reasons, this variant has been classified as Pathogenic. Algorithms developed to predict the effect of sequence changes on RNA splicing suggest that this variant may disrupt the consensus splice site. ClinVar contains an entry for this variant (Variation ID: 222618). Disruption of this splice site has been observed in individuals with Marfan syndrome or thoracic aortic aneurysm and dissection (PMID: 8101042, 17657824, 25652356, 28973303). This variant is not present in population databases (ExAC no frequency). This sequence change affects a donor splice site in intron 55 of the FBN1 gene. It is expected to disrupt RNA splicing. Variants that disrupt the donor or acceptor splice site typically lead to a loss of protein function (PMID: 16199547), and loss-of-function variants in FBN1 are known to be pathogenic (PMID: 17657824, 19293843).

Dr. Peter K. Rogan Lab, Western University
No classification provided (evidence only). Condition: Thyroid cancer, nonmedullary, 1. Review status: no classification provided. Collection method: in vitro. Allele origin: not applicable. Functional consequence: retained intron. Not counted in ClinVar's aggregate classification.

Literature cited by the submitters: PubMed 8101042 (cited by Labcorp Genetics (formerly Invitae), Labcorp); PubMed 17657824 (cited by Labcorp Genetics (formerly Invitae), Labcorp); PubMed 25652356 (cited by Labcorp Genetics (formerly Invitae), Labcorp); PubMed 28973303 (cited by Labcorp Genetics (formerly Invitae), Labcorp); PubMed 16199547 (cited by Labcorp Genetics (formerly Invitae), Labcorp); PubMed 19293843 (cited by Labcorp Genetics (formerly Invitae), Labcorp).